The following is an entry in ClinVar:

NM_000532.5(PCCB):c.901G>T (p.Glu301Ter)

Gene: PCCB (propionyl-CoA carboxylase subunit beta; plus strand). Cytogenetic location: 3q22.3.
Variant type: single nucleotide variant.
Coding change: c.901G>T on transcript NM_000532.5 (MANE Select); coding-DNA position 901, G replaced by T.
Protein change: p.Glu301Ter; replaces glutamic acid 301 with a stop codon.
Molecular consequence: nonsense.
Genome position (GRCh38, 1-based): chr3:136,301,046, G>T. VCF-style: chr3-136301046-G-T. GRCh37 (hg19) VCF-style: chr3-136019888-G-T.
Other names: c.961G>T, p.Glu321Ter (NM_001178014.2); short protein forms E301*, E321*.
Identifiers: ClinVar variation 5012725 (VCV005012725.1).

ClinVar aggregate classification (germline): Pathogenic (1 of 4 stars; one submission).

Conditions:
Propionic acidemia (PROP). Also called: GLYCINEMIA, KETOTIC; HYPERGLYCINEMIA WITH KETOACIDOSIS AND LEUKOPENIA; KETOTIC HYPERGLYCINEMIA. Identifiers: Orphanet 35, MedGen C0268579, MONDO:0011628, OMIM 606054, HP:0003571.

Submission:

Myriad Genetics, Inc.
Classification: Pathogenic for Propionic acidemia. Last evaluated: 2024-02-09. Review status: criteria provided, single submitter. Criteria: Myriad Autosomal Dominant, Autosomal Recessive and X-Linked Classification Criteria (2023). Collection method: clinical testing. Allele origin: unknown.
Comment: NM_000532.4(PCCB):c.901G>T(E301*) is expected to be pathogenic in the context of PCCB-related propionic acidemia. This variant is predicted to lead to an abnormal or absent protein product due to the creation of a premature termination codon in PCCB, a gene where loss-of-function variants are known to be pathogenic. Please note: this variant was assessed in the context of healthy population screening.